The following is an entry in ClinVar:

ClinVar aggregate classification (germline): Pathogenic. Review status: reviewed by expert panel (3 of 4 stars). 6 submissions from 6 submitters: Pathogenic (1). 5 of the submissions do not count toward it. Last evaluated 2016-09-08.

Conditions:
Hereditary cancer-predisposing syndrome. Also called: Hereditary Cancer Syndrome; Hereditary neoplastic syndrome; Neoplastic Syndromes, Hereditary; Tumor predisposition. Identifiers: Orphanet 140162, MedGen C0027672, MeSH D009386, MONDO:0015356.
Hereditary breast ovarian cancer syndrome. Also called: BRCA1- and BRCA2-Associated Hereditary Breast and Ovarian Cancer; Hereditary breast and ovarian cancer syndrome; Hereditary breast and ovarian cancer syndrome (HBOC); Breast and ovarian cancer; Hereditary breast and/or ovarian cancer syndrome; Hereditary breast and ovarian cancer. Identifiers: Orphanet 145, MedGen C0677776, MeSH D061325, MONDO:0003582. Disease mechanism: loss of function.
Breast-ovarian cancer, familial, susceptibility to, 1 (BROVCA1). Also called: BRCA1 Hereditary Breast and Ovarian Cancer; OVARIAN CANCER, SUSCEPTIBILITY TO. Identifiers: Orphanet 145, MedGen C2676676, MONDO:0011450, OMIM 604370. Disease mechanism: loss of function.

Submissions (7):

Evidence-based Network for the Interpretation of Germline Mutant Alleles (ENIGMA)
Classification: Pathogenic for Breast-ovarian cancer, familial, susceptibility to, 1. Last evaluated: 2016-09-08. Review status: reviewed by expert panel. Criteria: ENIGMA BRCA1/2 Classification Criteria (2015). Collection method: curation. Allele origin: germline.
Comment: Variant allele predicted to encode a truncated non-functional protein.

Labcorp Genetics (formerly Invitae), Labcorp
Classification: Pathogenic for Hereditary breast ovarian cancer syndrome. Last evaluated: 2025-10-26. Review status: criteria provided, single submitter. Criteria: Invitae Variant Classification Sherloc (09022015). Collection method: clinical testing. Allele origin: germline. Not counted in ClinVar's aggregate classification.
Comment: This sequence change creates a premature translational stop signal (p.Glu1644*) in the BRCA1 gene. It is expected to result in an absent or disrupted protein product. Loss-of-function variants in BRCA1 are known to be pathogenic (PMID: 20104584). This variant is not present in population databases (gnomAD no frequency). This premature translational stop signal has been observed in individual(s) with breast cancer (PMID: 18311584). ClinVar contains an entry for this variant (Variation ID: 55317). For these reasons, this variant has been classified as Pathogenic.

Baylor Genetics
Classification: Pathogenic for Breast-ovarian cancer, familial, susceptibility to, 1. Last evaluated: 2023-07-11. Review status: criteria provided, single submitter. Criteria: ACMG Guidelines, 2015. Collection method: clinical testing. Allele origin: unknown. Not counted in ClinVar's aggregate classification.

Quest Diagnostics Nichols Institute San Juan Capistrano
Classification: Pathogenic. Last evaluated: 2021-02-24. Review status: criteria provided, single submitter. Criteria: Quest Diagnostics criteria. Collection method: clinical testing. Allele origin: unknown. Not counted in ClinVar's aggregate classification.
Comment: This nonsense variant causes the premature termination of BRCA1 protein synthesis. In addition, it has been reported in individuals with breast cancer in the published literature (PMID: 18311584 (2009) and 29446198 (2018)). Functional studies indicate that this variant causes a damaging effect on normal BRCA1 protein function (PMID 30209399 (2018)). This variant has not been reported in large, multi-ethnic general populations. Based on the available information, this variant is classified as pathogenic.

Ambry Genetics
Classification: Pathogenic for Hereditary cancer-predisposing syndrome. Last evaluated: 2019-06-10. Review status: criteria provided, single submitter. Criteria: Ambry Variant Classification Scheme 2023. Collection method: clinical testing. Allele origin: germline. Not counted in ClinVar's aggregate classification.
Comment: The p.E1644* pathogenic mutation (also known as c.4930G>T), located in coding exon 14 of the BRCA1 gene, results from a G to T substitution at nucleotide position 4930. This changes the amino acid from a glutamic acid to a stop codon within coding exon 14. One functional study found that this nucleotide substitution is deleterious in a high throughput genome editing haploid cell survival assay (Findlay GM et al. Nature. 2018 10;562:217-222). This alteration was identified in a large, worldwide study of BRCA1/2 mutation positive families (Rebbeck TR et al. Hum. Mutat. 2018 05;39:593-620). This alteration is expected to result in loss of function by premature protein truncation or nonsense-mediated mRNA decay. As such, this alteration is interpreted as a disease-causing mutation.

Consortium of Investigators of Modifiers of BRCA1/2 (CIMBA), c/o University of Cambridge
Classification: Pathogenic for Breast-ovarian cancer, familial, susceptibility to, 1. Last evaluated: 2015-10-02. Review status: criteria provided, single submitter. Criteria: CIMBA Mutation Classification guidelines May 2016. Collection method: clinical testing. Allele origin: germline. Not counted in ClinVar's aggregate classification.

Brotman Baty Institute, University of Washington
No classification provided (evidence only). Condition: Breast-ovarian cancer, familial 1. Review status: no classification provided. Collection method: in vitro. Allele origin: not applicable. Functional consequence: functionally_abnormal. Not counted in ClinVar's aggregate classification.
ClinVar note: "not provided" was previously submitted as the classification for the variant. However, the classification appeared to be based only on an observation of functional data so it was converted to no classification on 2025-07-30.

Literature cited by the submitters: PubMed 20104584 (cited by Labcorp Genetics (formerly Invitae), Labcorp); PubMed 18311584 (cited by 3 submitters); PubMed 29446198 (cited by Quest Diagnostics Nichols Institute San Juan Capistrano and Ambry Genetics); PubMed 30209399 (cited by Quest Diagnostics Nichols Institute San Juan Capistrano and Ambry Genetics).

NM_007294.4(BRCA1):c.4930G>T (p.Glu1644Ter)

Gene: BRCA1 (BRCA1 DNA repair associated; minus strand). Cytogenetic location: 17q21.31.
Variant type: single nucleotide variant.
Coding change: c.4930G>T on transcript NM_007294.4 (MANE Select); coding-DNA position 4930, G replaced by T.
Protein change: p.Glu1644Ter; replaces glutamic acid 1644 with a stop codon.
Molecular consequence: nonsense. On other transcripts: non-coding transcript variant (1).
Genome position (GRCh38, 1-based): chr17:43,070,984, C>A on the plus strand (G>T on the coding strand, the complement: BRCA1 is on the minus strand). VCF-style: chr17-43070984-C-A. GRCh37 (hg19) VCF-style: chr17-41223001-C-A.
Other names: c.4930G>T, p.Glu1644Ter (NM_001407597.1, NM_001407598.1, NM_001407602.1 and 8 more transcripts); c.4927G>T, p.Glu1643Ter (NM_001407610.1, NM_001407611.1, NM_001407612.1 and 17 more transcripts); c.4786G>T, p.Glu1596Ter (NM_001407748.1, NM_001407749.1, NM_001407750.1 and 21 more transcripts); c.4783G>T, p.Glu1595Ter (NM_001407838.1, NM_001407839.1, NM_001407841.1 and 12 more transcripts); c.4924G>T, p.Glu1642Ter (NM_001407627.1, NM_001407628.1, NM_001407629.1 and 14 more transcripts); c.4921G>T, p.Glu1641Ter (NM_001407644.1, NM_001407645.1); c.4918G>T, p.Glu1640Ter (NM_001407646.1); c.4915G>T, p.Glu1639Ter (NM_001407647.1); and 70 more; short protein forms E1644*, E1597*, E1665*, E540*, E1515*, E1517*, E1575*, E1577*.
Identifiers: ClinVar variation 55317 (VCV000055317.22), dbSNP rs397509205, ClinGen allele CA003081.
Genomic context (GRCh38, chr17:43,070,984, plus strand): 5'-TCACAAATTCTTCTGGGGTCAGGCCAGACACCACCATGGACATTCTTTTGTTGACCCTTT[C>A]TGTTGAAGCTGTCAATTCTGGCTTCTCCCTGCTCACACTTTCTTCCATTGCATTATACCC-3'